The following is an entry in ClinVar:

NM_000077.5(CDKN2A):c.210C>T (p.Pro70=)

Gene: CDKN2A (cyclin dependent kinase inhibitor 2A; minus strand). Cytogenetic location: 9p21.3.
Variant type: single nucleotide variant.
Coding change: c.210C>T on transcript NM_000077.5; coding-DNA position 210, C replaced by T.
Protein change: p.Pro70=; no amino-acid change (proline 70 retained).
Molecular consequence: synonymous variant (on NM_000077.6). On other transcripts: nonsense (1), 3 prime UTR variant (1).
Genome position (GRCh38, 1-based): chr9:21,971,149, G>A on the plus strand (C>T on the coding strand, the complement: CDKN2A is on the minus strand). VCF-style: chr9-21971149-G-A. GRCh37 (hg19) VCF-style: chr9-21971148-G-A.
Other names: c.210C>T, p.Pro70= (NM_000077.6, NM_001195132.2); c.57C>T, p.Pro19= (NM_001363763.2); c.253C>T, p.Gln85Ter (NM_058195.4); c.*133C>T (NM_058197.5); short protein forms Q85*.
Identifiers: ClinVar variation 220535 (VCV000220535.15), dbSNP rs864622570, ClinGen allele CA348918.
Genomic context (GRCh38, chr9:21,971,149, plus strand): 5'-GAAGCCCTCCCGGGCAGCGTCGTGCACGGGTCGGGTGAGAGTGGCGGGGTCGGCGCAGTT[G>A]GGCTCCGCGCCGTGGAGCAGCAGCAGCTCCGCCACTCGGGCGCTGCCCATCATCATGACC-3'
Protein context (NP_000068.1, residues 60-80): AELLLLHGAE[Pro70=]NCADPATLTR

ClinVar aggregate classification (germline): Conflicting classifications of pathogenicity. Review status: criteria provided, conflicting classifications (1 of 4 stars). 4 submissions from 4 submitters: Uncertain significance (2); Likely benign (2). Last evaluated 2025-10-23.

Conditions:
Hereditary cancer-predisposing syndrome. Also called: Tumor predisposition; Neoplastic Syndromes, Hereditary; Hereditary Cancer Syndrome; Hereditary neoplastic syndrome. Identifiers: Orphanet 140162, MedGen C0027672, MeSH D009386, MONDO:0015356.
Familial melanoma. Also called: Hereditary melanoma; Hereditary cutaneous melanoma. Identifiers: Orphanet 618, MedGen C1512419, MONDO:0018961.

Allele frequency attached by ClinVar (database versions not stated): gnomAD 0.00001; TOPMed 0.00001.
gnomAD v4.1: 2 of 1,594,112 alleles (0.00013%); highest among the groups gnomAD compares: Non-Finnish European, 0.00017%; no homozygotes.

Submissions (4):

Ambry Genetics
Classification: Uncertain significance for Hereditary cancer-predisposing syndrome. Last evaluated: 2025-10-23. Review status: criteria provided, single submitter. Criteria: Ambry Variant Classification Scheme 2023. Collection method: clinical testing. Allele origin: germline.
Comment: The c.210C>T variant (also known as p.P70P), located in coding exon 2 of the CDKN2A gene, results from a C to T substitution at nucleotide position 210 and does not change the amino acid at position 70 of the p16 isoform. Of note, this variant is also known as p.Q85* (c.253C>T) in the p14(ARF) isoform and results from a C to T substitution at nucleotide position 253. The evidence supporting a relationship between p14(ARF) and melanoma-pancreatic cancer syndrome is limited; therefore, the association of this variant with this gene-disease relationship is unknown. However, the association of this variant in the p16 isoform with melanoma-pancreatic cancer syndrome is unlikely.

Labcorp Genetics (formerly Invitae), Labcorp
Classification: Likely benign for Familial melanoma. Last evaluated: 2025-09-30. Review status: criteria provided, single submitter. Criteria: Invitae Variant Classification Sherloc (09022015). Collection method: clinical testing. Allele origin: germline.

GeneDx
Classification: Uncertain significance. Last evaluated: 2022-12-29. Review status: criteria provided, single submitter. Criteria: GeneDx Variant Classification Process June 2021. Collection method: clinical testing. Allele origin: germline. Affected: yes.
Comment: Reported using an alternate transcript of the gene; Nonsense variant predicted to result in protein truncation, although loss-of-function variants have not been reported downstream of this position in the protein; Observed in an individual with squamous cell carcinoma of the head and neck (Lang et al, 2002); Not observed in large population cohorts (gnomAD); This variant in the p14-ARF isoform also results in a likely benign variant in the p16 protein, p.Pro70=; This variant is associated with the following publications: (PMID: 25925381, 12118338, 27535533, 31970404)

Color Diagnostics, LLC DBA Color Health
Classification: Likely benign for Hereditary cancer-predisposing syndrome. Last evaluated: 2018-11-02. Review status: criteria provided, single submitter. Criteria: ACMG Guidelines, 2015. Collection method: clinical testing. Allele origin: germline.